The following is an entry in ClinVar:

ClinVar aggregate classification (germline): Uncertain significance (1 of 4 stars; one submission).

Conditions:
Autosomal dominant nocturnal frontal lobe epilepsy 5. Also called: KCNT1-Related Epilepsy; CILIARY DYSKINESIA, PRIMARY, 28, WITHOUT SITUS INVERSUS; CILIARY DYSKINESIA, PRIMARY, 28, WITH SITUS INVERSUS; Epilepsy, nocturnal frontal lobe, 5. Identifiers: Orphanet 98784, MedGen C3554306, MONDO:0014002, OMIM 615005.
Developmental and epileptic encephalopathy, 14 (DEE14). Also called: Early infantile epileptic encephalopathy 14. Identifiers: Orphanet 293181, MedGen C3554195, MONDO:0013989, OMIM 614959.

gnomAD v4.1: 1 of 1,607,282 alleles (0.000062%); no homozygotes.

Submission:

Labcorp Genetics (formerly Invitae), Labcorp
Classification: Uncertain significance for Autosomal dominant nocturnal frontal lobe epilepsy 5; Developmental and epileptic encephalopathy, 14. Last evaluated: 2025-08-29. Review status: criteria provided, single submitter. Criteria: Invitae Variant Classification Sherloc (09022015). Collection method: clinical testing. Allele origin: germline.
Comment: This sequence change falls in intron 12 of the KCNT1 gene. It does not directly change the encoded amino acid sequence of the KCNT1 protein. It affects a nucleotide within the consensus splice site. This variant is not present in population databases (gnomAD no frequency). This variant has not been reported in the literature in individuals affected with KCNT1-related conditions. ClinVar contains an entry for this variant (Variation ID: 3761140). Variants that disrupt the consensus splice site are a relatively common cause of aberrant splicing (PMID: 17576681, 9536098). Algorithms developed to predict the effect of sequence changes on RNA splicing suggest that this variant is not likely to affect RNA splicing. In summary, the available evidence is currently insufficient to determine the role of this variant in disease. Therefore, it has been classified as a Variant of Uncertain Significance.

Literature cited by the submitters: PubMed 17576681; PubMed 9536098.

NM_020822.3(KCNT1):c.1200+6G>C

Gene: KCNT1 (potassium sodium-activated channel subfamily T member 1; plus strand). Cytogenetic location: 9q34.3.
Variant type: single nucleotide variant.
Coding change: c.1200+6G>C on transcript NM_020822.3 (MANE Select); 6 bases into the intron after coding-DNA position 1200, G replaced by C.
Molecular consequence: intron variant.
Genome position (GRCh38, 1-based): chr9:135,765,201, G>C. VCF-style: chr9-135765201-G-C. GRCh37 (hg19) VCF-style: chr9-138657047-G-C.
Other names: c.1065+6G>C (NM_001272003.2).
Identifiers: ClinVar variation 3761140 (VCV003761140.2).